The following is an entry in ClinVar:

NM_178857.6(RP1L1):c.424T>G (p.Ser142Ala)

Gene: RP1L1 (RP1 like 1). Cytogenetic location: 8p23.1.
Variant type: single nucleotide variant.
Coding change: c.424T>G on transcript NM_178857.6 (MANE Select); coding-DNA position 424, T replaced by G.
Protein change: p.Ser142Ala; replaces serine 142 with alanine.
Molecular consequence: missense variant.
Genome position (GRCh38, 1-based): chr8:10,622,778, A>C on the plus strand (T>G on the coding strand, the complement: RP1L1 is on the minus strand). VCF-style: chr8-10622778-A-C. GRCh37 (hg19) VCF-style: chr8-10480288-A-C.
Other names: short protein forms S142A.
Identifiers: ClinVar variation 1912320 (VCV001912320.5), dbSNP rs374879431, ClinGen allele CA4625708.
Genomic context (GRCh38, chr8:10,622,778, plus strand): 5'-GGTCCATGTTCTTAATCAGCAGTATCCTCCGGGGGGTTTTAAGACTCTTCCGGGAGGAGG[A>C]GGTGCCTGGGGCTTCACGCTGGCCTTCGACATCCCGCAACTGCTGAGCAGTGGGGTTTCT-3'
Protein context (NP_849188.4, residues 132-152): VEGQREAPGT[Ser142Ala]SSRKSLKTPR

ClinVar aggregate classification (germline): Uncertain significance (1 of 4 stars; one submission).

Allele frequency attached by ClinVar (database versions not stated): TOPMed below 0.00001; ExAC 0.00001; ESP Exome Variant Server 0.00008.

Submission:

Labcorp Genetics (formerly Invitae), Labcorp
Classification: Uncertain significance. Last evaluated: 2024-12-02. Review status: criteria provided, single submitter. Criteria: Invitae Variant Classification Sherloc (09022015). Collection method: clinical testing. Allele origin: germline.
Comment: This sequence change replaces serine, which is neutral and polar, with alanine, which is neutral and non-polar, at codon 142 of the RP1L1 protein (p.Ser142Ala). This variant is present in population databases (rs374879431, gnomAD 0.007%). This variant has not been reported in the literature in individuals affected with RP1L1-related conditions. ClinVar contains an entry for this variant (Variation ID: 1912320). Invitae Evidence Modeling of protein sequence and biophysical properties (such as structural, functional, and spatial information, amino acid conservation, physicochemical variation, residue mobility, and thermodynamic stability) indicates that this missense variant is not expected to disrupt RP1L1 protein function with a negative predictive value of 80%. In summary, the available evidence is currently insufficient to determine the role of this variant in disease. Therefore, it has been classified as a Variant of Uncertain Significance.